The following is an entry in ClinVar:

NM_032444.4(SLX4):c.1991dup (p.Asp665fs)

Gene: SLX4 (SLX4 structure-specific endonuclease subunit; minus strand). Cytogenetic location: 16p13.3.
Variant type: Duplication.
Coding change: c.1991dup on transcript NM_032444.4 (MANE Select); coding-DNA position 1991, one base duplicated (C; older notation c.1991dupC).
Protein change: p.Asp665fs; shifts the reading frame from aspartic acid 665.
Molecular consequence: frameshift variant.
Genome position (GRCh38, 1-based): chr16:3,595,627, G duplicated on the plus strand (C on the coding strand, the reverse complement: SLX4 is on the minus strand); the first of 3 consecutive G bases (chr16:3,595,627-3,595,629); duplicating any one gives the same sequence. VCF-style (leftmost placement, unchanged base first): chr16-3595626-C-CG. GRCh37 (hg19) VCF-style: chr16-3645627-C-CG.
Other names: short protein forms D665fs.
Identifiers: ClinVar variation 3688693 (VCV003688693.2).

ClinVar aggregate classification (germline): Pathogenic (1 of 4 stars; one submission).

Conditions:
Fanconi anemia (FA). Also called: Fanconi's anemia. Identifiers: Orphanet 84, MedGen C0015625, MeSH D005199, MONDO:0019391.

Submission:

Labcorp Genetics (formerly Invitae), Labcorp
Classification: Pathogenic for Fanconi anemia. Last evaluated: 2024-10-27. Review status: criteria provided, single submitter. Criteria: Invitae Variant Classification Sherloc (09022015). Collection method: clinical testing. Allele origin: germline.
Comment: This sequence change creates a premature translational stop signal (p.Asp665Glyfs*16) in the SLX4 gene. It is expected to result in an absent or disrupted protein product. Loss-of-function variants in SLX4 are known to be pathogenic (PMID: 21240277). This variant is not present in population databases (gnomAD no frequency). This variant has not been reported in the literature in individuals affected with SLX4-related conditions. For these reasons, this variant has been classified as Pathogenic.

Literature cited by the submitters: PubMed 21240277.